The following is an entry in ClinVar:

ClinVar aggregate classification (germline): Uncertain significance (1 of 4 stars; one submission).

Submission:

Labcorp Genetics (formerly Invitae), Labcorp
Classification: Uncertain significance. Last evaluated: 2019-04-12. Review status: criteria provided, single submitter. Criteria: Invitae Variant Classification Sherloc (09022015). Collection method: clinical testing. Allele origin: germline.
Comment: This variant results in a copy number gain of the genomic region encompassing the full coding sequence of the ABRAXAS1 gene. The boundaries of this event are unknown as they extend beyond the assayed region for this gene and therefore may encompass additional genes. As the precise location of this event is unknown, it may be in tandem or it may be located elsewhere in the genome. This variant has not been reported in the literature in individuals with ABRAXAS1-related conditions. In summary, the available evidence is currently insufficient to determine the role of this variant in disease. Therefore, it has been classified as a Variant of Uncertain Significance.

NC_000004.12:g.(?_83462459)_(83485082_?)dup

Gene: ABRAXAS1 (abraxas 1, BRCA1 A complex subunit; minus strand). Cytogenetic location: 4q21.23.
Variant type: Duplication.
Identifiers: ClinVar variation 833408 (VCV000833408.1).